The following is an entry in ClinVar:

ClinVar aggregate classification (germline): Benign. Review status: criteria provided, multiple submitters, no conflicts (2 of 4 stars). 2 submissions from 2 submitters: Benign (2). Last evaluated 2018-01-13.

Conditions:
Gaze palsy, familial horizontal, with progressive scoliosis 1 (HGPPS1). Identifiers: Orphanet 2744, MedGen C4551964, MONDO:0020790, OMIM 607313.

Allele frequency attached by ClinVar (database versions not stated): TOPMed 0.04841; ESP Exome Variant Server 0.05258; gnomAD 0.05542 and 0.05718; 1000 Genomes Project 30x 0.05668; 1000 Genomes Project 0.06130; gnomAD exomes 0.06541; ExAC 0.06800.

Submissions (3):

Illumina Laboratory Services, Illumina
Classification: Benign for Gaze palsy, familial horizontal, with progressive scoliosis 1. Last evaluated: 2018-01-13. Review status: criteria provided, single submitter. Criteria: ICSL Variant Classification Criteria 13 December 2019. Collection method: clinical testing. Allele origin: germline.
Comment: This variant was observed in the ICSL laboratory as part of a predisposition screen in an ostensibly healthy population. It had not been previously curated by ICSL or reported in the Human Gene Mutation Database (HGMD: prior to June 1st, 2018), and was therefore a candidate for classification through an automated scoring system. Utilizing variant allele frequency, disease prevalence and penetrance estimates, and inheritance mode, an automated score was calculated to assess if this variant is too frequent to cause the disease. Based on the score and internal cut-off values, a variant classified as benign is not then subjected to further curation. The score for this variant resulted in a classification of benign for this disease.

Breakthrough Genomics
Classification: Benign. Review status: criteria provided, single submitter. Criteria: ACMG Guidelines, 2015. Collection method: not provided. Allele origin: germline. Inheritance: Autosomal recessive inheritance. Affected: yes.

Dr. Peter K. Rogan Lab, Western University
No classification provided (evidence only). Condition: Sarcoma. Review status: no classification provided. Collection method: in vitro. Allele origin: not applicable. Functional consequence: retained intron. Not counted in ClinVar's aggregate classification.

NM_022370.4(ROBO3):c.1824C>T (p.Gly608=)

Gene: ROBO3 (roundabout guidance receptor 3; plus strand). Cytogenetic location: 11q24.2.
Variant type: single nucleotide variant.
Coding change: c.1824C>T on transcript NM_022370.4 (MANE Select); coding-DNA position 1824, C replaced by T.
Protein change: p.Gly608=; no amino-acid change (glycine 608 retained).
Molecular consequence: synonymous variant.
Genome position (GRCh38, 1-based): chr11:124,874,109, C>T. VCF-style: chr11-124874109-C-T. GRCh37 (hg19) VCF-style: chr11-124744005-C-T.
Other names: NC_000011.9:g.124744005C>T.
Identifiers: ClinVar variation 303245 (VCV000303245.7), dbSNP rs77513537, ClinGen allele CA6343613.
Genomic context (GRCh38, chr11:124,874,109, plus strand): 5'-GTCATCTCCTTCTTGTTGTAGCCCAGCAGCTGGCAACACATGGCGTACTGTGGCAGATGG[C>T]GTGCAGCTGGAGACACACACAGTCAGCGGTCTGCAGCCCAATACCATCTACCTGTTTCTG-3'
Protein context (NP_071765.2, residues 598-618): AGNTWRTVAD[Gly608=]VQLETHTVSG